The following is an entry in ClinVar:

NM_032119.4(ADGRV1):c.3974C>T (p.Thr1325Met)

Gene: ADGRV1 (adhesion G protein-coupled receptor V1; plus strand). Cytogenetic location: 5q14.3.
Variant type: single nucleotide variant.
Coding change: c.3974C>T on transcript NM_032119.4 (MANE Select); coding-DNA position 3974, C replaced by T.
Protein change: p.Thr1325Met; replaces threonine 1325 with methionine.
Molecular consequence: missense variant. On other transcripts: non-coding transcript variant (1).
Genome position (GRCh38, 1-based): chr5:90,653,548, C>T. VCF-style: chr5-90653548-C-T. GRCh37 (hg19) VCF-style: chr5-89949365-C-T.
Other names: short protein forms T1325M.
Identifiers: ClinVar variation 546975 (VCV000546975.62), dbSNP rs756414393, ClinGen allele CA3339274.

ClinVar aggregate classification (germline): Conflicting classifications of pathogenicity. Review status: criteria provided, conflicting classifications (1 of 4 stars). 9 submissions from 9 submitters: Likely pathogenic (1); Uncertain significance (7); Likely benign (1). Last evaluated 2025-11-04.

Conditions:
Abnormal activity of mitochondrial respiratory chain. Identifiers: MedGen C4023126, HP:0011922.
ADGRV1-related disorder. Also called: ADGRV1-related disorders; ADGRV1-related condition.
Febrile seizures, familial, 4 (FEB4). Also called: CONVULSIONS, FAMILIAL FEBRILE, 4. Identifiers: MedGen C1858493, MONDO:0011443, OMIM 604352.
Usher syndrome type 2C. Also called: Usher syndrome, type 2B; USHER SYNDROME, TYPE IIC. Identifiers: Orphanet 231178, Orphanet 886, MedGen C2931213, MONDO:0011558, OMIM 605472.

Allele frequency attached by ClinVar (database versions not stated): gnomAD exomes 0.00004 and 0.00007; ExAC 0.00006; TOPMed 0.00006; gnomAD 0.00007.
gnomAD v4.1: 113 of 1,613,794 alleles (0.007%); highest among the groups gnomAD compares: Non-Finnish European, 0.0081%; no homozygotes.

Submissions (9):

Labcorp Genetics (formerly Invitae), Labcorp
Classification: Likely benign. Last evaluated: 2025-11-04. Review status: criteria provided, single submitter. Criteria: Invitae Variant Classification Sherloc (09022015). Collection method: clinical testing. Allele origin: germline.

GeneDx
Classification: Uncertain significance. Last evaluated: 2024-07-16. Review status: criteria provided, single submitter. Criteria: GeneDx Variant Classification Process June 2021. Collection method: clinical testing. Allele origin: germline. Affected: yes.
Comment: Reported without a second variant in a patient with Usher syndrome in published literature (PMID: 25333064); Not observed at significant frequency in large population cohorts (gnomAD); In silico analysis supports that this missense variant has a deleterious effect on protein structure/function; This variant is associated with the following publications: (PMID: 25333064, 31964843)

Blueprint Genetics
Classification: Uncertain significance. Last evaluated: 2023-07-04. Review status: criteria provided, single submitter. Criteria: ACMG Guidelines, 2015. Collection method: clinical testing. Allele origin: germline.

Women's Health and Genetics/Laboratory Corporation of America, LabCorp
Classification: Uncertain significance. Last evaluated: 2023-05-16. Review status: criteria provided, single submitter. Criteria: LabCorp Variant Classification Summary - May 2015. Collection method: clinical testing. Allele origin: germline.
Comment: Variant summary: ADGRV1 c.3974C>T (p.Thr1325Met) results in a non-conservative amino acid change in the encoded protein sequence. Four of five in-silico tools predict a damaging effect of the variant on protein function. The variant allele was found at a frequency of 4.4e-05 in 248924 control chromosomes (gnomAD). This frequency is not significantly higher than estimated for a pathogenic variant in ADGRV1 causing Usher Syndrome (4.4e-05 vs 0.0054), allowing no conclusion about variant significance. c.3974C>T has been reported in the literature as a non-informative genotype (second allele/genotype not specified) in at-least one individual affected with features of Usher Syndrome (example, Krawitz_2014). To our knowledge, no experimental evidence demonstrating an impact on protein function has been reported. The following publication has been ascertained in the context of this evaluation (PMID: 25333064). Five clinical diagnostic laboratories have submitted clinical-significance assessments for this variant to ClinVar after 2014 and classified the variant as VUS (n=3) and likely pathogenic (n=1). Based on the evidence outlined above, the variant was classified as uncertain significance.

PreventionGenetics, part of Exact Sciences
Classification: Uncertain significance for ADGRV1-related condition. Last evaluated: 2023-01-19. Review status: criteria provided, single submitter. Criteria: ACMG Guidelines, 2015. Collection method: clinical testing. Allele origin: germline.
Comment: The ADGRV1 c.3974C>T variant is predicted to result in the amino acid substitution p.Thr1325Met. This variant was reported in an individual with Usher syndrome (Krawitz et al 2014. PubMed ID: 25333064). This variant is reported in 0.0062% of alleles in individuals of European (Non-Finnish) descent in gnomAD. At this time, the clinical significance of this variant is uncertain due to the absence of conclusive functional and genetic evidence.

Department of Otolaryngology – Head & Neck Surgery, Cochlear Implant Center
Classification: Likely pathogenic for Abnormal activity of mitochondrial respiratory chain. Last evaluated: 2021-04-12. Review status: criteria provided, single submitter. Criteria: ClinGen HL ACMG Specifications v1. Collection method: clinical testing. Allele origin: germline. Affected: yes.
Comment: PS1_Strong, PM2_Moderate, PP3_Supporting

Fulgent Genetics
Classification: Uncertain significance for Febrile seizures, familial, 4; Usher syndrome type 2C. Last evaluated: 2018-10-31. Review status: criteria provided, single submitter. Criteria: ACMG Guidelines, 2015. Collection method: clinical testing. Allele origin: unknown.

CeGaT Center for Human Genetics Tuebingen
Classification: Uncertain significance. Last evaluated: 2018-07-01. Review status: criteria provided, single submitter. Criteria: CeGaT Center For Human Genetics Tuebingen Variant Classification Criteria Version 2. Collection method: clinical testing. Allele origin: germline. Affected: yes. Observed: 3 variant alleles.

Illumina Laboratory Services, Illumina
Classification: Uncertain significance for Usher syndrome type 2C. Last evaluated: 2017-04-27. Review status: criteria provided, single submitter. Criteria: ICSL Variant Classification Criteria 13 December 2019. Collection method: clinical testing. Allele origin: germline.
Comment: This variant was observed as part of a predisposition screen in an ostensibly healthy population. A literature search was performed for the gene, cDNA change, and amino acid change (where applicable). Publications were found based on this search. However, the evidence from the literature, in combination with allele frequency data from public databases where available, was not sufficient to rule this variant in or out of causing disease. Therefore, this variant is classified as a variant of unknown significance.

Literature cited by the submitters: PubMed 25333064 (cited by 3 submitters).